The following is an entry in ClinVar:

ClinVar aggregate classification (germline): Likely pathogenic (1 of 4 stars; one submission).

Conditions:
GPC4-related disorder. Also called: GPC4-related condition.

Submissions (3):

PreventionGenetics, part of Exact Sciences
Classification: Likely pathogenic for GPC4-related condition. Last evaluated: 2026-02-03. Review status: criteria provided, single submitter. Criteria: ACMG Guidelines, 2015. Collection method: clinical testing. Allele origin: germline.
Comment: The GPC4 c.472G>T variant is predicted to result in premature protein termination (p.Glu158*). To our knowledge, this variant has not been reported in the literature or in a large population database (gnomAD), indicating this variant is rare. Nonsense variants in GPC4 are expected to be pathogenic. This variant is interpreted as likely pathogenic.

Dr. Peter K. Rogan Lab, Western University
No classification provided (evidence only). Condition: Thyroid cancer, nonmedullary, 1. Review status: no classification provided. Collection method: in vitro. Allele origin: not applicable. Functional consequence: retained intron. Not counted in ClinVar's aggregate classification.

Dr. Peter K. Rogan Lab, Western University
No classification provided (evidence only). Condition: Thyroid cancer, nonmedullary, 1. Review status: no classification provided. Collection method: in vitro. Allele origin: not applicable. Functional consequence: retained intron. Not counted in ClinVar's aggregate classification.

NM_001448.3(GPC4):c.472G>T (p.Glu158Ter)

Gene: GPC4 (glypican 4; minus strand). Cytogenetic location: Xq26.2.
Variant type: single nucleotide variant.
Coding change: c.472G>T on transcript NM_001448.3 (MANE Select); coding-DNA position 472, G replaced by T.
Protein change: p.Glu158Ter; replaces glutamic acid 158 with a stop codon.
Molecular consequence: nonsense.
Genome position (GRCh38, 1-based): chrX:133,324,384, C>A on the plus strand (G>T on the coding strand, the complement: GPC4 is on the minus strand). VCF-style: chrX-133324384-C-A. GRCh37 (hg19) VCF-style: chrX-132458412-C-A.
Other names: NC_000023.10:g.132458412C>A; c.472G>T (NM_001448.2); short protein forms E158*.
Identifiers: ClinVar variation 4471949 (VCV004471949.2).